The following is an entry in ClinVar:

NM_003201.3(TFAM):c.280T>G (p.Ser94Ala)

Gene: TFAM (transcription factor A, mitochondrial; plus strand). Cytogenetic location: 10q21.1.
Variant type: single nucleotide variant.
Coding change: c.280T>G on transcript NM_003201.3 (MANE Select); coding-DNA position 280, T replaced by G.
Protein change: p.Ser94Ala; replaces serine 94 with alanine.
Molecular consequence: missense variant. On other transcripts: non-coding transcript variant (1).
Genome position (GRCh38, 1-based): chr10:58,388,249, T>G. VCF-style: chr10-58388249-T-G. GRCh37 (hg19) VCF-style: chr10-60148009-T-G.
Other names: c.280T>G, p.Ser94Ala (NM_001270782.2); short protein forms S94A.
Identifiers: ClinVar variation 2715682 (VCV002715682.3), dbSNP rs376754701, ClinGen allele CA5507919.
Genomic context (GRCh38, chr10:58,388,249, plus strand): 5'-GATGCAAAAACTACAGAACTAATTAGAAGAATTGCCCAGCGTTGGAGGGAACTTCCTGAT[T>G]CAAAGAAAAAAGTAAGCACATAAGTTTTCAACATTGCTGACCAGTTATTCTGCAGTTAGG-3'
Protein context (NP_003192.1, residues 84-104): IAQRWRELPD[Ser94Ala]KKKIYQDAYR

ClinVar aggregate classification (germline): Uncertain significance (1 of 4 stars; one submission).

Allele frequency attached by ClinVar (database versions not stated): ExAC 0.00005; gnomAD 0.00011; ESP Exome Variant Server 0.00015; 1000 Genomes Project 30x 0.00016; TOPMed 0.00017; 1000 Genomes Project 0.00020.
gnomAD v4.1: 57 of 1,613,918 alleles (0.0035%); highest among the groups gnomAD compares: Middle Eastern, 0.017%; no homozygotes.

Submission:

Labcorp Genetics (formerly Invitae), Labcorp
Classification: Uncertain significance. Last evaluated: 2025-10-27. Review status: criteria provided, single submitter. Criteria: Invitae Variant Classification Sherloc (09022015). Collection method: clinical testing. Allele origin: germline.
Comment: This sequence change replaces serine, which is neutral and polar, with alanine, which is neutral and non-polar, at codon 94 of the TFAM protein (p.Ser94Ala). This variant is present in population databases (rs376754701, gnomAD 0.008%). This variant has not been reported in the literature in individuals affected with TFAM-related conditions. ClinVar contains an entry for this variant (Variation ID: 2715682). Invitae Evidence Modeling of protein sequence and biophysical properties (such as structural, functional, and spatial information, amino acid conservation, physicochemical variation, residue mobility, and thermodynamic stability) indicates that this missense variant is not expected to disrupt TFAM protein function with a negative predictive value of 80%. In summary, the available evidence is currently insufficient to determine the role of this variant in disease. Therefore, it has been classified as a Variant of Uncertain Significance.